The following is an entry in ClinVar:

NM_002907.4(RECQL):c.835G>A (p.Ala279Thr)

Gene: RECQL (RecQ like helicase; minus strand). Cytogenetic location: 12p12.1.
Variant type: single nucleotide variant.
Coding change: c.835G>A on transcript NM_002907.4 (MANE Select); coding-DNA position 835, G replaced by A.
Protein change: p.Ala279Thr; replaces alanine 279 with threonine.
Molecular consequence: missense variant.
Genome position (GRCh38, 1-based): chr12:21,477,835, C>T on the plus strand (G>A on the coding strand, the complement: RECQL is on the minus strand). VCF-style: chr12-21477835-C-T. GRCh37 (hg19) VCF-style: chr12-21630769-C-T.
Other names: c.835G>A, p.Ala279Thr (NM_032941.3); short protein forms A279T.
Identifiers: ClinVar variation 2463616 (VCV002463616.3), dbSNP rs1943114457, ClinGen allele CA384124131.
Genomic context (GRCh38, chr12:21,477,835, plus strand): 5'-GTAAGGAATTGACATAAAAATTACATACCTCATAATATAGATTTGGCCTATTAAAAGAAG[C>T]TGTAAAAGTAAAACACTTTTCAATGCACAAAATTTTCTGAGCATCCGTCAAAACGTGATT-3'
Protein context (NP_002898.2, residues 269-289): LCIEKCFTFT[Ala279Thr]SFNRPNLYYE

ClinVar aggregate classification (germline): Uncertain significance (1 of 4 stars; one submission).

Allele frequency attached by ClinVar (database versions not stated): TOPMed below 0.00001.

Submission:

Ambry Genetics
Classification: Uncertain significance. Last evaluated: 2025-11-05. Review status: criteria provided, single submitter. Criteria: Ambry Variant Classification Scheme 2023. Collection method: clinical testing. Allele origin: germline.
Comment: The p.A279T variant (also known as c.835G>A), located in coding exon 6 of the RECQL gene, results from a G to A substitution at nucleotide position 835. The alanine at codon 279 is replaced by threonine, an amino acid with similar properties. In one study, this alteration was identified in one ovarian cancer case and was not identified in controls (Song H et al. J Med Genet, 2021 05;58:305-313). This amino acid position is highly conserved in available vertebrate species. In addition, this alteration is predicted to be deleterious by in silico analysis. The evidence for this gene-disease relationship is limited; therefore, the clinical significance of this alteration is unclear.

Literature cited by the submitters: PubMed 32546565.